The following is an entry in ClinVar:

NM_001401501.2(MUC16):c.38651C>T (p.Ala12884Val)

Gene: MUC16 (mucin 16, cell surface associated; minus strand). Cytogenetic location: 19p13.2.
Variant type: single nucleotide variant.
Coding change: c.38651C>T on transcript NM_001401501.2 (MANE Select); coding-DNA position 38651, C replaced by T.
Protein change: p.Ala12884Val; replaces alanine 12884 with valine.
Molecular consequence: missense variant.
Genome position (GRCh38, 1-based): chr19:8,903,507, G>A on the plus strand (C>T on the coding strand, the complement: MUC16 is on the minus strand). VCF-style: chr19-8903507-G-A. GRCh37 (hg19) VCF-style: chr19-9014183-G-A.
Other names: c.39077C>T, p.Ala13026Val (NM_001414686.1); c.38531C>T, p.Ala12844Val (NM_001414687.1); c.38465C>T, p.Ala12822Val (NM_024690.2); short protein forms A12822V, A12844V, A12884V, A13026V.
Identifiers: ClinVar variation 3047284 (VCV003047284.2), dbSNP rs370092766, ClinGen allele CA9164572.
Genomic context (GRCh38, chr19:8,903,507, plus strand): 5'-ACTTAATATAGGATCAGGGGCATGTGGACATGAGTTGAATACTCACTGCTGGTGTTGGGC[G>A]CAGAGGTCTGATGGGTGAAACCTGCGTAGAGAAGGAGGGAGGAGACTGGGTAAGGGTTAA-3'
Protein context (NP_001388430.1, residues 12874-12894): YVNGFTHQTS[Ala12884Val]PNTSTPGTST

ClinVar aggregate classification (germline): Likely benign (0 of 4 stars; one submission).

Conditions:
MUC16-related disorder. Also called: MUC16-related condition.

Allele frequency attached by ClinVar (database versions not stated): TOPMed 0.00008; gnomAD 0.00024; ExAC 0.00067; 1000 Genomes Project 30x 0.00109; 1000 Genomes Project 0.00120.

Submission:

PreventionGenetics, part of Exact Sciences
Classification: Likely benign for MUC16-related condition. Last evaluated: 2019-02-26. Review status: no assertion criteria provided. Collection method: clinical testing. Allele origin: germline.
Comment: This variant is classified as likely benign based on ACMG/AMP sequence variant interpretation guidelines (Richards et al. 2015 PMID: 25741868, with internal and published modifications).